The following is an entry in ClinVar:

ClinVar aggregate classification (germline): Uncertain significance (1 of 4 stars; one submission).

Submission:

GeneDx
Classification: Uncertain significance. Last evaluated: 2024-09-25. Review status: criteria provided, single submitter. Criteria: GeneDx Variant Classification Process June 2021. Collection method: clinical testing. Allele origin: germline. Affected: yes.
Comment: Not observed at significant frequency in large population cohorts (gnomAD); In silico analysis supports a deleterious effect on protein structure/function; Has not been previously published as pathogenic or benign to our knowledge

NM_006662.3(SRCAP):c.1280_1281delinsGA (p.Val427Gly)

Gene: SRCAP (Snf2 related CREBBP activator protein; plus strand). Cytogenetic location: 16p11.2.
Variant type: Indel.
Coding change: c.1280_1281delinsGA on transcript NM_006662.3 (MANE Select); coding-DNA positions 1280 to 1281, TG replaced by GA.
Protein change: p.Val427Gly; replaces valine 427 with glycine.
Molecular consequence: missense variant.
Genome position (GRCh38, 1-based): chr16:30,711,050-30,711,051, TG replaced by GA. VCF-style: chr16-30711050-TG-GA. GRCh37 (hg19) VCF-style: chr16-30722371-TG-GA.
Other names: short protein forms V427G.
Identifiers: ClinVar variation 3774805 (VCV003774805.1).